The following is an entry in ClinVar:

NM_024675.4(PALB2):c.2946G>T (p.Gly982=)

Gene: PALB2 (partner and localizer of BRCA2; minus strand). Cytogenetic location: 16p12.2.
Variant type: single nucleotide variant.
Coding change: c.2946G>T on transcript NM_024675.4 (MANE Select); coding-DNA position 2946, G replaced by T.
Protein change: p.Gly982=; no amino-acid change (glycine 982 retained).
Molecular consequence: synonymous variant.
Genome position (GRCh38, 1-based): chr16:23,623,019, C>A on the plus strand (G>T on the coding strand, the complement: PALB2 is on the minus strand). VCF-style: chr16-23623019-C-A. GRCh37 (hg19) VCF-style: chr16-23634340-C-A.
Identifiers: ClinVar variation 410103 (VCV000410103.17), dbSNP rs1060502731, ClinGen allele CA16614850.

ClinVar aggregate classification (germline): Benign/Likely benign. Review status: criteria provided, multiple submitters, no conflicts (2 of 4 stars). 5 submissions from 5 submitters: Benign (1); Likely benign (4). Last evaluated 2025-01-21.

Conditions:
Hereditary cancer-predisposing syndrome. Also called: Neoplastic Syndromes, Hereditary; Tumor predisposition; Hereditary Cancer Syndrome; Hereditary neoplastic syndrome. Identifiers: Orphanet 140162, MedGen C0027672, MeSH D009386, MONDO:0015356.
Familial cancer of breast. Also called: hereditary breast carcinoma; BREAST CANCER, FAMILIAL; Hereditary breast cancer. Identifiers: Orphanet 227535, MedGen C0346153, MONDO:0016419, OMIM 114480. Disease mechanism: loss of function.

Submissions (5):

Myriad Genetics, Inc.
Classification: Benign for Familial cancer of breast. Last evaluated: 2025-01-21. Review status: criteria provided, single submitter. Criteria: Myriad Autosomal Dominant, Autosomal Recessive and X-Linked Classification Criteria (2023). Collection method: clinical testing. Allele origin: unknown.
Comment: This variant is considered benign. This variant is a silent/synonymous amino acid change and it is not expected to impact splicing.

Labcorp Genetics (formerly Invitae), Labcorp
Classification: Likely benign for Familial cancer of breast. Last evaluated: 2024-04-25. Review status: criteria provided, single submitter. Criteria: Invitae Variant Classification Sherloc (09022015). Collection method: clinical testing. Allele origin: germline.

Blueprint Genetics
Classification: Likely benign. Last evaluated: 2024-01-15. Review status: criteria provided, single submitter. Criteria: ACMG Guidelines, 2015. Collection method: clinical testing. Allele origin: germline.

Color Diagnostics, LLC DBA Color Health
Classification: Likely benign for Hereditary cancer-predisposing syndrome. Last evaluated: 2020-08-20. Review status: criteria provided, single submitter. Criteria: ACMG Guidelines, 2015. Collection method: clinical testing. Allele origin: germline.

Ambry Genetics
Classification: Likely benign for Hereditary cancer-predisposing syndrome. Last evaluated: 2020-02-14. Review status: criteria provided, single submitter. Criteria: Ambry Variant Classification Scheme 2023. Collection method: clinical testing. Allele origin: germline.